The following is an entry in ClinVar:

NM_018075.5(ANO10):c.1760C>G (p.Ser587Ter)

Gene: ANO10 (anoctamin 10; minus strand). Cytogenetic location: 3p22.1.
Variant type: single nucleotide variant.
Coding change: c.1760C>G on transcript NM_018075.5 (MANE Select); coding-DNA position 1760, C replaced by G.
Protein change: p.Ser587Ter; replaces serine 587 with a stop codon.
Molecular consequence: nonsense.
Genome position (GRCh38, 1-based): chr3:43,549,757, G>C on the plus strand (C>G on the coding strand, the complement: ANO10 is on the minus strand). VCF-style: chr3-43549757-G-C. GRCh37 (hg19) VCF-style: chr3-43591249-G-C.
Other names: c.1760C>G, p.Ser587Ter (NM_001204831.3, NM_001346465.2, NM_001346468.2); c.1562C>G, p.Ser521Ter (NM_001204832.3, NM_001346466.2, NM_001346469.2); c.1427C>G, p.Ser476Ter (NM_001204833.3); c.1190C>G, p.Ser397Ter (NM_001204834.3); c.1877C>G, p.Ser626Ter (NM_001346463.2, NM_001346464.2, NM_001346467.2); short protein forms S397*, S476*, S521*, S587*, S626*.
Identifiers: ClinVar variation 2684263 (VCV002684263.5), dbSNP rs762918406, ClinGen allele CA2340682.
Genomic context (GRCh38, chr3:43,549,757, plus strand): 5'-AATAAGTTTAAATCTTTACTTACCTCCACTGCTACTACAATCAAAATGAGGTCTGCTTTT[G>C]ATTCTGGAAAGACTGCATTCACTTGTGGTGACATTCCAATCAGCGCACAGTTAGTGACCA-3'

ClinVar aggregate classification (germline): Pathogenic/Likely pathogenic. Review status: criteria provided, multiple submitters, no conflicts (2 of 4 stars). 3 submissions from 3 submitters: Pathogenic (2); Likely pathogenic (1). Last evaluated 2024-04-23.

Conditions:
Autosomal recessive spinocerebellar ataxia 10. Identifiers: Orphanet 284289, MedGen C3150998, MONDO:0013392, OMIM 613728.

Allele frequency attached by ClinVar (database versions not stated): gnomAD 0.00002; TOPMed 0.00004.
gnomAD v4.1: 7 of 1,613,894 alleles (0.00043%); highest among the groups gnomAD compares: African/African-American, 0.0067%; no homozygotes.

Submissions (3):

Myriad Genetics, Inc.
Classification: Pathogenic for Autosomal recessive spinocerebellar ataxia 10. Last evaluated: 2024-04-23. Review status: criteria provided, single submitter. Criteria: Myriad Autosomal Dominant, Autosomal Recessive and X-Linked Classification Criteria (2023). Collection method: clinical testing. Allele origin: unknown.
Comment: NM_018075.3(ANO10):c.1760C>G(S587*) is expected to be pathogenic in the context of spinocerebellar ataxia, ANO10-related. This variant is predicted to lead to an abnormal or absent protein product due to the creation of a premature termination codon in ANO10, a gene where loss-of-function variants are known to be pathogenic. Please note: this variant was assessed in the context of healthy population screening.

Labcorp Genetics (formerly Invitae), Labcorp
Classification: Pathogenic. Last evaluated: 2024-03-13. Review status: criteria provided, single submitter. Criteria: Invitae Variant Classification Sherloc (09022015). Collection method: clinical testing. Allele origin: germline.
Comment: This sequence change creates a premature translational stop signal (p.Ser587*) in the ANO10 gene. It is expected to result in an absent or disrupted protein product. Loss-of-function variants in ANO10 are known to be pathogenic (PMID: 25089919). This variant is present in population databases (rs762918406, gnomAD 0.01%). This variant has not been reported in the literature in individuals affected with ANO10-related conditions. For these reasons, this variant has been classified as Pathogenic.

Athena Diagnostics
Classification: Likely pathogenic. Last evaluated: 2023-09-06. Review status: criteria provided, single submitter. Criteria: Athena Diagnostics Criteria. Collection method: clinical testing. Allele origin: unknown.
Comment: This variant is expected to result in the loss of a functional protein. The frequency of this variant in the general population is consistent with pathogenicity.

Literature cited by the submitters: PubMed 25089919 (cited by Labcorp Genetics (formerly Invitae), Labcorp).